The following is an entry in ClinVar:

NM_007078.3(LDB3):c.1049C>T (p.Thr350Ile)

Gene: LDB3 (LIM domain binding 3; plus strand). Cytogenetic location: 10q23.2.
Variant type: single nucleotide variant.
Coding change: c.1049C>T on transcript NM_007078.3 (MANE Select); coding-DNA position 1049, C replaced by T.
Protein change: p.Thr350Ile; replaces threonine 350 with isoleucine.
Molecular consequence: missense variant. On other transcripts: intron variant (4).
Genome position (GRCh38, 1-based): chr10:86,706,683, C>T. VCF-style: chr10-86706683-C-T. GRCh37 (hg19) VCF-style: chr10-88466440-C-T.
Other names: c.1049C>T (LRG_385t1); c.908C>T, p.Thr303Ile (NM_001368066.1); c.897-3222C>T (NM_001368064.1, NM_001368065.1); c.1101-3222C>T (NM_001171610.2); c.756-3222C>T (NM_001080114.2); short protein forms T350I, T303I.
Identifiers: ClinVar variation 222687 (VCV000222687.22), dbSNP rs200796750, ClinGen allele CA354862.
Genomic context (GRCh38, chr10:86,706,683, plus strand): 5'-GTGCGGCTTCGCCACCCCTGGCCACAGCTGCTGCCCACACTGCCATCGCCTCCGCCTCCA[C>T]CACAGCCCCTGCTTCAAGTCCTGCCGACAGCCCAAGGTAACTGGGCCACAGGTGCTGGGC-3'
Protein context (NP_009009.1, residues 340-360): AAHTAIASAS[Thr350Ile]TAPASSPADS

ClinVar aggregate classification (germline): Conflicting classifications of pathogenicity. Review status: criteria provided, conflicting classifications (1 of 4 stars). 8 submissions from 8 submitters: Uncertain significance (3); Benign (1); Likely benign (3). 1 of the submissions does not count toward it. Last evaluated 2026-02-03.

Conditions:
Cardiovascular phenotype. Identifiers: MedGen CN230736.
Myofibrillar myopathy 4. Also called: Zaspopathy (type). Identifiers: Orphanet 98912, MedGen C4721886, MONDO:0012277, OMIM 609452.
Hypertrophic cardiomyopathy. Also called: HYPERTROPHIC MYOCARDIOPATHY. Identifiers: Orphanet 217569, MedGen C0007194, MeSH D002312, MONDO:0005045, HP:0001639.

Allele frequency attached by ClinVar (database versions not stated): ESP Exome Variant Server 0.00008; ExAC 0.00012; gnomAD exomes 0.00013 and 0.00016; TOPMed 0.00017; gnomAD 0.00021 and 0.00022.
gnomAD v4.1: 258 of 1,612,808 alleles (0.016%); highest among the groups gnomAD compares: Non-Finnish European, 0.021%; no homozygotes.

Submissions (8):

Labcorp Genetics (formerly Invitae), Labcorp
Classification: Uncertain significance for Myofibrillar myopathy 4. Last evaluated: 2026-02-03. Review status: criteria provided, single submitter. Criteria: Invitae Variant Classification Sherloc (09022015). Collection method: clinical testing. Allele origin: germline.
Comment: The LDB3 gene has multiple clinically relevant transcripts. This variant occurs in alternate transcript NM_007078.3, and corresponds to NM_001080116.1:c.*7309C>T in the primary transcript. This sequence change replaces threonine, which is neutral and polar, with isoleucine, which is neutral and non-polar, at codon 350 of the LDB3 protein (p.Thr350Ile). This variant is present in population databases (rs200796750, gnomAD 0.03%). This missense change has been observed in individual(s) with Barth syndrome (PMID: 17394203). ClinVar contains an entry for this variant (Variation ID: 222687). Experimental studies and prediction algorithms are not available or were not evaluated, and the functional significance of this variant is currently unknown. In summary, the available evidence is currently insufficient to determine the role of this variant in disease. Therefore, it has been classified as a Variant of Uncertain Significance.

Laboratory of Genetics, Children's Clinical University Hospital Latvia
Classification: Likely benign. Last evaluated: 2025-02-16. Review status: criteria provided, single submitter. Criteria: ACMG Guidelines, 2015. Collection method: clinical testing. Allele origin: germline. Affected: yes.

Women's Health and Genetics/Laboratory Corporation of America, LabCorp
Classification: Likely benign. Last evaluated: 2024-10-07. Review status: criteria provided, single submitter. Criteria: LabCorp Variant Classification Summary - May 2015. Collection method: clinical testing. Allele origin: germline.
Comment: Variant summary: LDB3 c.1049C>T (p.Thr350Ile) results in a non-conservative amino acid change in the encoded protein sequence. Three of five in-silico tools predict a benign effect of the variant on protein function. The variant allele was found at a frequency of 0.00013 in 247570 control chromosomes, predominantly at a frequency of 0.00026 within the Non-Finnish European subpopulation in the gnomAD database. The observed variant frequency within Non-Finnish European control individuals in the gnomAD database is approximately 3-fold of the estimated maximal expected allele frequency for a pathogenic variant in LDB3 causing hypertrophic cardiomyopathy phenotype (7.5e-05). c.1049C>T has been reported in the literature in an individual affected with dilated cardiomyopathy, left ventricular non-compaction, and skeletal myopathy who was also hemizygous for a frameshift variant in the TAZ gene (Marziliano_2007). These report(s) do not provide unequivocal conclusions about association of the variant with LDB3-associated cardiomyopathy. To our knowledge, no experimental evidence demonstrating an impact on protein function has been reported. The following publication have been ascertained in the context of this evaluation (PMID: 17394203). ClinVar contains an entry for this variant (Variation ID: 222687). Based on the evidence outlined above, the variant was classified as likely benign.

Blueprint Genetics
Classification: Likely benign. Last evaluated: 2024-08-26. Review status: criteria provided, single submitter. Criteria: ACMG Guidelines, 2015. Collection method: clinical testing. Allele origin: germline.

Ambry Genetics
Classification: Uncertain significance for Cardiovascular phenotype. Last evaluated: 2023-07-18. Review status: criteria provided, single submitter. Criteria: Ambry Variant Classification Scheme 2023. Collection method: clinical testing. Allele origin: germline.
Comment: The p.T350I variant (also known as c.1049C>T), located in coding exon 7 of the LDB3 gene, results from a C to T substitution at nucleotide position 1049. The threonine at codon 350 is replaced by isoleucine, an amino acid with similar properties. The proband's healthy father and brother had the LDB3 variant and showed prominent cardiac trabeculation, and otherwise normal cardiac exam (Marziliano N et al. Am. J. Med. Genet. A, 2007 May;143A:907-15). This alteration has also been reported in a limb girdle muscular dystrophy cohort (Marziliano N et al. Am. J. Med. Genet. A, 2007 May;143A:907-15). This variant has been seen in an exome cohort, but cardiovascular history was not provided (Andreasen C et al. Eur. J. Hum. Genet., 2013 Sep;21:918-28). This amino acid position is not conserved on limited sequence alignment. In addition, the in silico prediction for this alteration is inconclusive. Since supporting evidence is limited at this time, the clinical significance of this alteration remains unclear.

Mendelics
Classification: Benign for Myofibrillar myopathy 4. Last evaluated: 2019-05-28. Review status: criteria provided, single submitter. Criteria: Mendelics Assertion Criteria 2017. Collection method: clinical testing. Allele origin: unknown.

GeneDx
Classification: Uncertain significance. Last evaluated: 2019-03-14. Review status: criteria provided, single submitter. Criteria: GeneDx Variant Classification Process June 2021. Collection method: clinical testing. Allele origin: germline. Affected: yes.
Comment: Reported in the literature in a patient with Barth syndrome and severe LVNC/DCM, and was also identified in this patient's sibling and father, who have prominent trabeculations but do not meet criteria for LVNC (Marziliano et al., 2007; Arbustini et al., 2016); this patient also harbors a maternally inherited frameshift variant in the TAZ gene; Reported also in association with HCM (Lopes et al., 2015); Identified both independently and in conjunction with additional cardiogenetic variants in unrelated individuals with DCM referred for genetic testing at GeneDx, but segregation data is limited or absent at this time; In silico analysis, which includes protein predictors and evolutionary conservation, supports that this variant does not alter protein structure/function; Reported in ClinVar but additional evidence is not available (ClinVar Variant ID 222687; Landrum et al., 2016); This variant is associated with the following publications: (PMID: 25351510, 17394203, 27561770, 23299917, 21303826)

Agnes Ginges Centre for Molecular Cardiology, Centenary Institute
Classification: Likely benign for Hypertrophic cardiomyopathy. Last evaluated: 2019-11-26. Review status: no assertion criteria provided. Collection method: research. Allele origin: germline. Inheritance: Autosomal dominant inheritance. Affected: yes. Not counted in ClinVar's aggregate classification.
Comment: The variant is present in the Genome Aggregation Database (MAF= 0.00013), at an allele frequency which higher than expected for these disorders. Computational tools SIFT and PolyPhen2 predict this variant to have a deleterious effect, however MutationTaster predicts this variant to be a "polymorphism". In summary, based on the elevated allele frequency in the general population and limited information we classify LDB3 Thr350Ile as a variant of "uncertain significance".

Literature cited by the submitters: PubMed 17394203 (cited by 4 submitters); PubMed 23299917 (cited by Ambry Genetics); PubMed 29970176 (cited by Ambry Genetics); PubMed 27561770 (cited by Agnes Ginges Centre for Molecular Cardiology, Centenary Institute).